The following is an entry in ClinVar:

NM_001253852.3(AP4B1):c.505C>A (p.Arg169Ser)

Gene: AP4B1 (adaptor related protein complex 4 subunit beta 1; minus strand). Cytogenetic location: 1p13.2.
Variant type: single nucleotide variant.
Coding change: c.505C>A on transcript NM_001253852.3 (MANE Select); coding-DNA position 505, C replaced by A.
Protein change: p.Arg169Ser; replaces arginine 169 with serine.
Molecular consequence: missense variant. On other transcripts: intron variant (1).
Genome position (GRCh38, 1-based): chr1:113,901,348, G>T on the plus strand (C>A on the coding strand, the complement: AP4B1 is on the minus strand). VCF-style: chr1-113901348-G-T. GRCh37 (hg19) VCF-style: chr1-114443970-G-T.
Other names: c.505C>A (NM_006594.2); c.208C>A, p.Arg70Ser (NM_001253853.3); c.505C>A, p.Arg169Ser (NM_006594.5); c.114-948C>A (NM_001308312.2); short protein forms R169S, R70S.
Identifiers: ClinVar variation 1002684 (VCV001002684.11), dbSNP rs753402898, ClinGen allele CA341714423.

ClinVar aggregate classification (germline): Uncertain significance. Review status: criteria provided, multiple submitters, no conflicts (2 of 4 stars). 4 submissions from 4 submitters: Uncertain significance (4). Last evaluated 2025-06-18.

Conditions:
Hereditary spastic paraplegia 47. Also called: Spastic paraplegia 47, autosomal recessive; CEREBRAL PALSY, SPASTIC QUADRIPLEGIC, 5; adaptor protein 4 (AP-4) deficiency syndrome. Identifiers: Orphanet 280763, MedGen C3279738, MONDO:0013551, OMIM 614066.
Inborn genetic diseases. Identifiers: MedGen C0950123, MeSH D030342.

Allele frequency attached by ClinVar (database versions not stated): TOPMed 0.00001.
gnomAD v4.1: 11 of 1,613,866 alleles (0.00068%); highest among the groups gnomAD compares: Admixed American, 0.0017%; no homozygotes.

Submissions (4):

Ambry Genetics
Classification: Uncertain significance for Inborn genetic diseases. Last evaluated: 2025-06-18. Review status: criteria provided, single submitter. Criteria: Ambry Variant Classification Scheme 2023. Collection method: clinical testing. Allele origin: germline.

Genome-Nilou Lab
Classification: Uncertain significance for Hereditary spastic paraplegia 47. Last evaluated: 2023-04-11. Review status: criteria provided, single submitter. Criteria: ACMG Guidelines, 2015. Collection method: clinical testing. Allele origin: germline. Affected: no.

Women's Health and Genetics/Laboratory Corporation of America, LabCorp
Classification: Uncertain significance. Last evaluated: 2022-12-05. Review status: criteria provided, single submitter. Criteria: LabCorp Variant Classification Summary - May 2015. Collection method: clinical testing. Allele origin: germline.
Comment: Variant summary: AP4B1 c.505C>A (p.Arg169Ser) results in a non-conservative amino acid change located in the Clathrin/coatomer adaptor, adaptin-like, N-terminal domain (IPR002553) of the encoded protein sequence. Three of five in-silico tools predict a damaging effect of the variant on protein function. The variant was absent in 251464 control chromosomes. The available data on variant occurrences in the general population are insufficient to allow any conclusion about variant significance. To our knowledge, no occurrence of c.505C>A in individuals affected with Spastic Paraplegia 47, Autosomal Recessive and no experimental evidence demonstrating its impact on protein function have been reported. One clinical diagnostic laboratory has submitted clinical-significance assessments for this variant to ClinVar after 2014 without evidence for independent evaluation and classified the variant as uncertain significance. Based on the evidence outlined above, the variant was classified as uncertain significance.

Labcorp Genetics (formerly Invitae), Labcorp
Classification: Uncertain significance for Hereditary spastic paraplegia 47. Last evaluated: 2022-07-30. Review status: criteria provided, single submitter. Criteria: Invitae Variant Classification Sherloc (09022015). Collection method: clinical testing. Allele origin: germline.
Comment: This sequence change replaces arginine, which is basic and polar, with serine, which is neutral and polar, at codon 169 of the AP4B1 protein (p.Arg169Ser). In summary, the available evidence is currently insufficient to determine the role of this variant in disease. Therefore, it has been classified as a Variant of Uncertain Significance. Algorithms developed to predict the effect of missense changes on protein structure and function are either unavailable or do not agree on the potential impact of this missense change (SIFT: "Tolerated"; PolyPhen-2: "Probably Damaging"; Align-GVGD: "Class C0"). ClinVar contains an entry for this variant (Variation ID: 1002684). This variant has not been reported in the literature in individuals affected with AP4B1-related conditions. This variant is not present in population databases (gnomAD no frequency).